The following is an entry in ClinVar:

NM_000492.4(CFTR):c.989_990insTA (p.Ile331fs)

Gene: CFTR (CF transmembrane conductance regulator; plus strand). Cytogenetic location: 7q31.2.
Variant type: Insertion.
Coding change: c.989_990insTA on transcript NM_000492.4 (MANE Select); coding-DNA positions 989 to 990, TA inserted.
Protein change: p.Ile331fs; shifts the reading frame from isoleucine 331.
Molecular consequence: frameshift variant.
Genome position: GRCh38 VCF-style: chr7-117540219-G-GTA. GRCh37 (hg19) VCF-style: chr7-117180273-G-GTA.
Other names: short protein forms I331fs.
Identifiers: ClinVar variation 4818580 (VCV004818580.1).
Genomic context (GRCh38, chr7:117,540,219, plus strand): 5'-TCTTCTTCTCAGGGTTCTTTGTGGTGTTTTTATCTGTGCTTCCCTATGCACTAATCAAAG[G>GTA]AATCATCCTCCGGAAAATATTCACCACCATCTCATTCTGCATTGTTCTGCGCATGGCGGT-3'

ClinVar aggregate classification (germline): Likely pathogenic (1 of 4 stars; one submission).

Conditions:
CFTR-related disorder (CFTR-RD). Also called: CFTR-related disorders; CFTR-related condition. Identifiers: MedGen C5924204, MONDO:7770004.

Submission:

Natera, Inc.
Classification: Likely pathogenic for CFTR-related disorders. Last evaluated: 2025-06-20. Review status: criteria provided, single submitter. Criteria: Natera Variant Classification Schema (03/2026). Collection method: clinical testing. Allele origin: germline.
Comment: The c.989_990insTA variant in CFTR is a frameshift variant predicted to shift the reading frame beginning at codon 331 and leads to a stop codon 39 codons downstream. This variant is expected to result in nonsense mediated decay, truncation, or a dysfunctional protein product. This variant is rare in the general population with a frequency below the threshold expected for the associated phenotype(s). Given the available evidence, this variant is classified as Likely Pathogenic.